The following is an entry in ClinVar:

ClinVar aggregate classification (germline): Pathogenic (1 of 4 stars; one submission).

Conditions:
Osteogenesis imperfecta type I (OI1). Also called: OI, TYPE I; OSTEOGENESIS IMPERFECTA TARDA; OSTEOGENESIS IMPERFECTA WITH BLUE SCLERAE; Osteogenesis imperfecta type 1; Lobstein disease; Lobstein's Disease. Identifiers: Orphanet 216796, Orphanet 666, MedGen C0023931, MONDO:0008146, OMIM 166200. Disease mechanism: loss of function.

Submission:

Labcorp Genetics (formerly Invitae), Labcorp
Classification: Pathogenic for Osteogenesis imperfecta type I. Last evaluated: 2019-12-27. Review status: criteria provided, single submitter. Criteria: Invitae Variant Classification Sherloc (09022015). Collection method: clinical testing. Allele origin: germline.
Comment: This sequence change replaces glycine with serine at codon 203 of the COL1A1 protein (p.Gly203Ser). The glycine residue is highly conserved and there is a small physicochemical difference between glycine and serine. Glycine residues within the Gly-Xaa-Yaa repeats of the triple helix domain are required for the structure and stability of fibrillar collagens (PMID: 7695699, 8218237, 19344236). In COL1A1, missense variants at these glycine residues are significantly enriched in individuals with disease (PMID: 9016532, 17078022) compared to the general population (ExAC). For these reasons, this variant has been classified as Pathogenic. This variant disrupts the p.Gly203 amino acid residue in COL1A1. Other variant(s) that disrupt this residue have been observed in individuals with COL1A1-related conditions (PMID: 21667357, 17078022), which suggests that this may be a clinically significant amino acid residue. This variant has been observed in individual(s) with autosomal dominant osteogenesis imperfecta (PMID: 21667357). This variant is not present in population databases (ExAC no frequency).

Literature cited by the submitters: PubMed 7695699; PubMed 8218237; PubMed 19344236; PubMed 9016532; PubMed 17078022; PubMed 21667357.

NM_000088.4(COL1A1):c.607G>A (p.Gly203Ser)

Gene: COL1A1 (collagen type I alpha 1 chain; minus strand). Cytogenetic location: 17q21.33.
Variant type: single nucleotide variant.
Coding change: c.607G>A on transcript NM_000088.4 (MANE Select); coding-DNA position 607, G replaced by A.
Protein change: p.Gly203Ser; replaces glycine 203 with serine.
Molecular consequence: missense variant.
Genome position (GRCh38, 1-based): chr17:50,197,984, C>T on the plus strand (G>A on the coding strand, the complement: COL1A1 is on the minus strand). VCF-style: chr17-50197984-C-T. GRCh37 (hg19) VCF-style: chr17-48275345-C-T.
Other names: short protein forms G203S.
Identifiers: ClinVar variation 859390 (VCV000859390.10), dbSNP rs72667030, ClinGen allele CA400225254.